The following is an entry in ClinVar:

NM_001569.4(IRAK1):c.530C>T (p.Ser177Phe)

Gene: IRAK1 (interleukin 1 receptor associated kinase 1; minus strand). Cytogenetic location: Xq28.
Variant type: single nucleotide variant.
Coding change: c.530C>T on transcript NM_001569.4 (MANE Select); coding-DNA position 530, C replaced by T.
Protein change: p.Ser177Phe; replaces serine 177 with phenylalanine.
Molecular consequence: missense variant.
Genome position (GRCh38, 1-based): chrX:154,018,985, G>A on the plus strand (C>T on the coding strand, the complement: IRAK1 is on the minus strand). VCF-style: chrX-154018985-G-A. GRCh37 (hg19) VCF-style: chrX-153284436-G-A.
Other names: c.530C>T (NM_001569.3); c.530C>T, p.Ser177Phe (NM_001025242.2, NM_001025243.2); c.608C>T, p.Ser203Phe (NM_001410701.1); short protein forms S177F, S203F.
Identifiers: ClinVar variation 2661781 (VCV002661781.25), dbSNP rs202066173, ClinGen allele CA10558325.

ClinVar aggregate classification (germline): Conflicting classifications of pathogenicity. Review status: criteria provided, conflicting classifications (1 of 4 stars). 2 submissions from 2 submitters: Uncertain significance (1); Likely benign (1). Last evaluated 2025-08-30.

Allele frequency attached by ClinVar (database versions not stated): gnomAD exomes 0.00003; TOPMed 0.00006; ExAC 0.00008; gnomAD 0.00015; 1000 Genomes Project 30x 0.00166; 1000 Genomes Project 0.00185.
gnomAD v4.1: 56 of 1,194,817 alleles (0.0047%); highest among the groups gnomAD compares: Admixed American, 0.059%; 1 homozygote.

Submissions (2):

Ambry Genetics
Classification: Uncertain significance. Last evaluated: 2025-08-30. Review status: criteria provided, single submitter. Criteria: Ambry Variant Classification Scheme 2023. Collection method: clinical testing. Allele origin: germline.

CeGaT Center for Human Genetics Tuebingen
Classification: Likely benign. Last evaluated: 2022-12-01. Review status: criteria provided, single submitter. Criteria: CeGaT Center For Human Genetics Tuebingen Variant Classification Criteria Version 2. Collection method: clinical testing. Allele origin: germline. Affected: yes. Observed: 1 variant allele.
Comment: IRAK1: BP4, BS2